The following is an entry in ClinVar:

ClinVar aggregate classification (germline): Uncertain significance (1 of 4 stars; one submission).

Conditions:
Epilepsy, familial focal, with variable foci 3 (FFEVF3). Identifiers: MedGen C4310708, MONDO:0014925, OMIM 617118.

Allele frequency attached by ClinVar (database versions not stated): TOPMed 0.00002.
gnomAD v4.1: 30 of 1,549,520 alleles (0.0019%); highest among the groups gnomAD compares: Middle Eastern, 0.017%; no homozygotes.

Submission:

Labcorp Genetics (formerly Invitae), Labcorp
Classification: Uncertain significance for Epilepsy, familial focal, with variable foci 3. Last evaluated: 2024-10-22. Review status: criteria provided, single submitter. Criteria: Invitae Variant Classification Sherloc (09022015). Collection method: clinical testing. Allele origin: germline.
Comment: This sequence change replaces valine, which is neutral and non-polar, with isoleucine, which is neutral and non-polar, at codon 342 of the NPRL3 protein (p.Val342Ile). This variant is present in population databases (rs11558704, gnomAD 0.01%). This variant has not been reported in the literature in individuals affected with NPRL3-related conditions. ClinVar contains an entry for this variant (Variation ID: 652239). Invitae Evidence Modeling of protein sequence and biophysical properties (such as structural, functional, and spatial information, amino acid conservation, physicochemical variation, residue mobility, and thermodynamic stability) indicates that this missense variant is not expected to disrupt NPRL3 protein function with a negative predictive value of 80%. In summary, the available evidence is currently insufficient to determine the role of this variant in disease. Therefore, it has been classified as a Variant of Uncertain Significance.

NM_001077350.3(NPRL3):c.1024G>A (p.Val342Ile)

Genes: HBA-LCR (alpha-globin locus control region; plus strand), NPRL3 (NPR3 like, GATOR1 complex subunit; minus strand). Cytogenetic location: 16p13.3.
Variant type: single nucleotide variant.
Coding change: c.1024G>A on transcript NM_001077350.3 (MANE Select); coding-DNA position 1024, G replaced by A.
Protein change: p.Val342Ile; replaces valine 342 with isoleucine.
Molecular consequence: missense variant.
Genome position (GRCh38, 1-based): chr16:93,226, C>T on the plus strand (G>A on the coding strand, the complement: NPRL3 is on the minus strand). VCF-style: chr16-93226-C-T. GRCh37 (hg19) VCF-style: chr16-143224-C-T.
Other names: c.487G>A, p.Val163Ile (NM_001039476.3); c.790G>A, p.Val264Ile (NM_001243247.2); c.949G>A, p.Val317Ile (NM_001243248.2, NM_001243249.2); short protein forms V264I, V342I, V163I, V317I.
Identifiers: ClinVar variation 652239 (VCV000652239.6), dbSNP rs11558704, ClinGen allele CA7769486.